The following is an entry in ClinVar:

ClinVar aggregate classification (germline): Uncertain significance (1 of 4 stars; one submission).

Conditions:
Combined oxidative phosphorylation defect type 17. Also called: Combined oxidative phosphorylation deficiency 17. Identifiers: Orphanet 369913, MedGen C3809526, MONDO:0014190, OMIM 615440.

Submission:

Labcorp Genetics (formerly Invitae), Labcorp
Classification: Uncertain significance for Combined oxidative phosphorylation defect type 17. Last evaluated: 2021-06-12. Review status: criteria provided, single submitter. Criteria: Invitae Variant Classification Sherloc (09022015). Collection method: clinical testing. Allele origin: germline.
Comment: This sequence change replaces glutamine with histidine at codon 789 of the ELAC2 protein (p.Gln789His). The glutamine residue is weakly conserved and there is a small physicochemical difference between glutamine and histidine. This variant is not present in population databases (ExAC no frequency). This variant has not been reported in the literature in individuals with ELAC2-related conditions. Algorithms developed to predict the effect of missense changes on protein structure and function are either unavailable or do not agree on the potential impact of this missense change (SIFT: "Tolerated"; PolyPhen-2: "Possibly Damaging"; Align-GVGD: "Class C0"). In summary, the available evidence is currently insufficient to determine the role of this variant in disease. Therefore, it has been classified as a Variant of Uncertain Significance.

NM_018127.7(ELAC2):c.2367G>T (p.Gln789His)

Gene: ELAC2 (elaC ribonuclease Z 2; minus strand). Cytogenetic location: 17p12.
Variant type: single nucleotide variant.
Coding change: c.2367G>T on transcript NM_018127.7 (MANE Select); coding-DNA position 2367, G replaced by T.
Protein change: p.Gln789His; replaces glutamine 789 with histidine.
Molecular consequence: missense variant.
Genome position (GRCh38, 1-based): chr17:12,992,932, C>A on the plus strand (G>T on the coding strand, the complement: ELAC2 is on the minus strand). VCF-style: chr17-12992932-C-A. GRCh37 (hg19) VCF-style: chr17-12896249-C-A.
Other names: c.2247G>T, p.Gln749His (NM_001165962.2); c.2364G>T, p.Gln788His (NM_173717.2); short protein forms Q789H, Q749H, Q788H.
Identifiers: ClinVar variation 1400407 (VCV001400407.8), dbSNP rs2143540323, ClinGen allele CA398222218.